The following is an entry in ClinVar:

ClinVar aggregate classification (germline): Uncertain significance (1 of 4 stars; one submission).

Conditions:
Hereditary sensory neuropathy-deafness-dementia syndrome. Also called: NEUROPATHY, HEREDITARY SENSORY, WITH HEARING LOSS AND DEMENTIA; Hereditary Sensory and Autonomic Neuropathy Type 1E (HSAN1E); HSN IE; Hereditary sensory neuropathy type IE. Identifiers: Orphanet 456318, MedGen C3279885, MONDO:0013584, OMIM 614116.

gnomAD v4.1: 1 of 1,613,514 alleles (0.000062%); no homozygotes.

Submission:

Labcorp Genetics (formerly Invitae), Labcorp
Classification: Uncertain significance for Hereditary sensory neuropathy-deafness-dementia syndrome. Last evaluated: 2023-03-20. Review status: criteria provided, single submitter. Criteria: Invitae Variant Classification Sherloc (09022015). Collection method: clinical testing. Allele origin: germline.
Comment: This sequence change replaces isoleucine, which is neutral and non-polar, with valine, which is neutral and non-polar, at codon 183 of the DNMT1 protein (p.Ile183Val). This variant is not present in population databases (gnomAD no frequency). In summary, the available evidence is currently insufficient to determine the role of this variant in disease. Therefore, it has been classified as a Variant of Uncertain Significance. An algorithm developed to predict the effect of missense changes on protein structure and function (PolyPhen-2) suggests that this variant is likely to be tolerated. This variant has not been reported in the literature in individuals affected with DNMT1-related conditions.

NM_001130823.3(DNMT1):c.547A>G (p.Ile183Val)

Gene: DNMT1 (DNA methyltransferase 1; minus strand). Cytogenetic location: 19p13.2.
Variant type: single nucleotide variant.
Coding change: c.547A>G on transcript NM_001130823.3 (MANE Select); coding-DNA position 547, A replaced by G.
Protein change: p.Ile183Val; replaces isoleucine 183 with valine.
Molecular consequence: missense variant.
Genome position (GRCh38, 1-based): chr19:10,177,314, T>C on the plus strand (A>G on the coding strand, the complement: DNMT1 is on the minus strand). VCF-style: chr19-10177314-T-C. GRCh37 (hg19) VCF-style: chr19-10287990-T-C.
Other names: c.499A>G, p.Ile167Val (NM_001318730.2, NM_001379.4); c.184A>G, p.Ile62Val (NM_001318731.2); short protein forms I183V, I62V, I167V.
Identifiers: ClinVar variation 2904496 (VCV002904496.3), dbSNP rs2513883864, ClinGen allele CA403944945.